The following is an entry in ClinVar:

NM_001182.5(ALDH7A1):c.871G>T (p.Gly291Trp)

Gene: ALDH7A1 (aldehyde dehydrogenase 7 family member A1; minus strand). Cytogenetic location: 5q23.2.
Variant type: single nucleotide variant.
Coding change: c.871G>T on transcript NM_001182.5 (MANE Select); coding-DNA position 871, G replaced by T.
Protein change: p.Gly291Trp; replaces glycine 291 with tryptophan.
Molecular consequence: missense variant.
Genome position (GRCh38, 1-based): chr5:126,568,259, C>A on the plus strand (G>T on the coding strand, the complement: ALDH7A1 is on the minus strand). VCF-style: chr5-126568259-C-A. GRCh37 (hg19) VCF-style: chr5-125903951-C-A.
Other names: c.787G>T, p.Gly263Trp (NM_001201377.2); c.871G>T, p.Gly291Trp (NM_001202404.2); short protein forms G263W, G291W.
Identifiers: ClinVar variation 863009 (VCV000863009.9), dbSNP rs1750656759, ClinGen allele CA360729116.

ClinVar aggregate classification (germline): Uncertain significance. Review status: criteria provided, multiple submitters, no conflicts (2 of 4 stars). 3 submissions from 3 submitters: Uncertain significance (3). Last evaluated 2023-04-11.

Conditions:
Pyridoxine-dependent epilepsy (EPEO4). Also called: Pyridoxine-Dependent Epilepsy - ALDH7A1; EPILEPSY, EARLY-ONSET, 4, VITAMIN B6-DEPENDENT; PYRIDOXINE DEPENDENCY WITH SEIZURES; Pyridoxine-Dependent Seizures. Identifiers: Orphanet 3006, MedGen C1849508, MONDO:0009945, OMIM 266100. Disease mechanism: loss of function.
Inborn genetic diseases. Identifiers: MedGen C0950123, MeSH D030342.

Allele frequency attached by ClinVar (database versions not stated): gnomAD exomes below 0.00001.
gnomAD v4.1: 4 of 1,614,010 alleles (0.00025%); highest among the groups gnomAD compares: Non-Finnish European, 0.00034%; no homozygotes.

Submissions (3):

Genome-Nilou Lab
Classification: Uncertain significance for Pyridoxine-dependent epilepsy. Last evaluated: 2023-04-11. Review status: criteria provided, single submitter. Criteria: ACMG Guidelines, 2015. Collection method: clinical testing. Allele origin: germline. Affected: no.

Labcorp Genetics (formerly Invitae), Labcorp
Classification: Uncertain significance for Pyridoxine-dependent epilepsy. Last evaluated: 2021-08-13. Review status: criteria provided, single submitter. Criteria: Invitae Variant Classification Sherloc (09022015). Collection method: clinical testing. Allele origin: germline.
Comment: This sequence change replaces glycine with tryptophan at codon 291 of the ALDH7A1 protein (p.Gly291Trp). The glycine residue is highly conserved and there is a large physicochemical difference between glycine and tryptophan. This variant also falls at the last nucleotide of exon 9, which is part of the consensus splice site for this exon. This variant is not present in population databases (ExAC no frequency). This missense change has been observed in individual(s) with clinical features of ALDH7A1-related conditions (Invitae). Algorithms developed to predict the effect of missense changes on protein structure and function are either unavailable or do not agree on the potential impact of this missense change (SIFT: "Deleterious"; PolyPhen-2: "Probably Damaging"; Align-GVGD: "Class C15"). Variants that disrupt the consensus splice site are a relatively common cause of aberrant splicing (PMID: 17576681, 9536098). Algorithms developed to predict the effect of sequence changes on RNA splicing suggest that this variant may disrupt the consensus splice site. In summary, the available evidence is currently insufficient to determine the role of this variant in disease. Therefore, it has been classified as a Variant of Uncertain Significance.

Ambry Genetics
Classification: Uncertain significance for Inborn genetic diseases. Last evaluated: 2017-10-09. Review status: criteria provided, single submitter. Criteria: Ambry Variant Classification Scheme 2023. Collection method: clinical testing. Allele origin: germline.
Comment: The c.871G>T variant (also known as p.G291W), located in coding exon 9 of the ALDH7A1 gene, results from a G to T substitution at nucleotide position 871. The amino acid change results in glycine to tryptophan at codon 291, an amino acid with highly dissimilar properties. However, this change occurs in the last base pair of coding exon 9, which makes it likely to have some effect on normal mRNA splicing. This amino acid position is highly conserved in available vertebrate species. Using the BDGP and ESEfinder splice site prediction tools, this alteration is not predicted to have any significant effect on this splice donor site; however, direct evidence is unavailable. In addition, this alteration is predicted to be deleterious by in silico analysis. Since supporting evidence is limited at this time, the clinical significance of this alteration remains unclear.

Literature cited by the submitters: PubMed 17576681 (cited by Labcorp Genetics (formerly Invitae), Labcorp); PubMed 9536098 (cited by Labcorp Genetics (formerly Invitae), Labcorp).